The following is an entry in ClinVar:

NM_000701.8(ATP1A1):c.1022C>T (p.Thr341Met)

Gene: ATP1A1 (ATPase Na+/K+ transporting subunit alpha 1; plus strand). Cytogenetic location: 1p13.1.
Variant type: single nucleotide variant.
Coding change: c.1022C>T on transcript NM_000701.8 (MANE Select); coding-DNA position 1022, C replaced by T.
Protein change: p.Thr341Met; replaces threonine 341 with methionine.
Molecular consequence: missense variant.
Genome position (GRCh38, 1-based): chr1:116,389,706, C>T. VCF-style: chr1-116389706-C-T. GRCh37 (hg19) VCF-style: chr1-116932328-C-T.
Other names: c.1022C>T, p.Thr341Met (NM_001160233.2); c.929C>T, p.Thr310Met (NM_001160234.2); short protein forms T310M, T341M.
Identifiers: ClinVar variation 4686143 (VCV004686143.1).

ClinVar aggregate classification (germline): Uncertain significance (1 of 4 stars; one submission).

gnomAD v4.1: 2 of 1,613,954 alleles (0.00012%); highest among the groups gnomAD compares: Non-Finnish European, 0.000085%; no homozygotes.

Submission:

GeneDx
Classification: Uncertain significance. Last evaluated: 2025-07-18. Review status: criteria provided, single submitter. Criteria: GeneDx Variant Classification Process June 2021. Collection method: clinical testing. Allele origin: germline. Affected: yes.
Comment: In silico analysis supports that this missense variant has a deleterious effect on protein structure/function; Has not been previously published as pathogenic or benign to our knowledge